The following is an entry in ClinVar:

NC_000008.11:g.72089968A>G

Gene: TRPA1 (transient receptor potential cation channel subfamily A member 1; minus strand). Cytogenetic location: 8q21.11.
Variant type: single nucleotide variant.
Genome position: GRCh38 VCF-style: chr8-72089968-A-G. GRCh37 (hg19) VCF-style: chr8-73002203-A-G.
Identifiers: ClinVar variation 2571319 (VCV002571319.27), dbSNP rs544482303, ClinGen allele CA179254704.
Genomic context (GRCh38, chr8:72,089,968, plus strand): 5'-ATTGGAAAGTTACAAGATATTGAAGAAAAGGTATGCTTACCTTTCTTCATGGAAATTGAC[A>G]TCCTGTTTCTGATGTTACACAGGCATAAATAATCAAGCGGAGAAGTGTTCCTTTCCTCAC-3'

ClinVar aggregate classification (germline): Likely benign (1 of 4 stars; one submission).

Allele frequency attached by ClinVar (database versions not stated): 1000 Genomes Project 0.00020; gnomAD 0.00036; TOPMed 0.00039; 1000 Genomes Project 30x 0.00062.

Submission:

CeGaT Center for Human Genetics Tuebingen
Classification: Likely benign. Last evaluated: 2023-04-01. Review status: criteria provided, single submitter. Criteria: CeGaT Center For Human Genetics Tuebingen Variant Classification Criteria Version 2. Collection method: clinical testing. Allele origin: germline. Affected: yes. Observed: 1 variant allele.
Comment: TRPA1: BS1